The following is an entry in ClinVar:

ClinVar aggregate classification (germline): Uncertain significance (1 of 4 stars; one submission).

Submission:

Women's Health and Genetics/Laboratory Corporation of America, LabCorp
Classification: Uncertain significance. Last evaluated: 2022-11-07. Review status: criteria provided, single submitter. Criteria: LabCorp Variant Classification Summary - May 2015. Collection method: clinical testing. Allele origin: germline.
Comment: Variant summary: The variant identified by MLPA or other technology involves the deletion of exon 1 in the NIPA1 gene. A presumed nomenclature of c.(?_-26)_(178+1_179-1)del has been designated for the purposes of this classification. Although exact breakpoints of this deletion are not known, it is expected to remove the initiation codon and is predicted to result either in absence of the protein or truncation of the encoded protein due to translation initiation at a downstream site. An alternative downstream in-frame start codon (p.Met76) is located in exon 2 of the encoded protein. A deletion variant allele involving the 5'-UTR of NIPA1 and also, exon 1 was found at a frequency of 0.00037 in 21694 control chromosomes (gnomAD, Structural Variants dataset). To our knowledge, no occurrence of c.(?_-26)_(178+1_179-1)del in individuals affected with Hereditary Spastic Paraplegia 6 and no experimental evidence demonstrating its impact on protein function have been reported. No clinical diagnostic laboratories have submitted clinical-significance assessments for this variant to ClinVar after 2014. Based on the evidence outlined above, the variant was classified as uncertain significance.

NC_000015.9:g.(23062320_23086233)_(23086437_?)del

Gene: NIPA1 (NIPA magnesium transporter 1; plus strand). Cytogenetic location: 15q11.2.
Variant type: Deletion.
Identifiers: ClinVar variation 1804855 (VCV001804855.1).